The following is an entry in ClinVar:

ClinVar aggregate classification (germline): Uncertain significance (1 of 4 stars; one submission).

Conditions:
Inborn genetic diseases. Identifiers: MedGen C0950123, MeSH D030342.

gnomAD v4.1: 2 of 1,613,978 alleles (0.00012%); no homozygotes.

Submission:

Ambry Genetics
Classification: Uncertain significance for Inborn genetic diseases. Last evaluated: 2025-03-07. Review status: criteria provided, single submitter. Criteria: Ambry Variant Classification Scheme 2023. Collection method: clinical testing. Allele origin: germline.
Comment: The p.E71K variant (also known as c.211G>A), located in coding exon 2 of the ERCC6L2 gene, results from a G to A substitution at nucleotide position 211. The glutamic acid at codon 71 is replaced by lysine, an amino acid with similar properties. This amino acid position is conserved. In addition, this alteration is predicted to be tolerated by in silico analysis. Based on the available evidence, the clinical significance of this variant remains unclear.

NM_020207.7(ERCC6L2):c.211G>A (p.Glu71Lys)

Gene: ERCC6L2 (ERCC excision repair 6 like 2; plus strand). Cytogenetic location: 9q22.32.
Variant type: single nucleotide variant.
Coding change: c.211G>A on transcript NM_020207.7 (MANE Select); coding-DNA position 211, G replaced by A.
Protein change: p.Glu71Lys; replaces glutamic acid 71 with lysine.
Molecular consequence: missense variant. On other transcripts: non-coding transcript variant (1).
Genome position (GRCh38, 1-based): chr9:95,881,033, G>A. VCF-style: chr9-95881033-G-A. GRCh37 (hg19) VCF-style: chr9-98643315-G-A.
Other names: c.211G>A, p.Glu71Lys (NM_001010895.4, NM_001375291.1, NM_001375292.1 and 2 more transcripts); short protein forms E71K.
Identifiers: ClinVar variation 3845985 (VCV003845985.1).